The following is an entry in ClinVar:

NM_006267.5(RANBP2):c.3967G>T (p.Val1323Leu)

Gene: RANBP2 (RAN binding protein 2; plus strand). Cytogenetic location: 2q13.
Variant type: single nucleotide variant.
Coding change: c.3967G>T on transcript NM_006267.5 (MANE Select); coding-DNA position 3967, G replaced by T.
Protein change: p.Val1323Leu; replaces valine 1323 with leucine.
Molecular consequence: missense variant.
Genome position (GRCh38, 1-based): chr2:108,764,506, G>T. VCF-style: chr2-108764506-G-T. GRCh37 (hg19) VCF-style: chr2-109380962-G-T.
Other names: short protein forms V1323L.
Identifiers: ClinVar variation 469458 (VCV000469458.10), dbSNP rs543164039, ClinGen allele CA1823023.
Genomic context (GRCh38, chr2:108,764,506, plus strand): 5'-AGCATTTTAAAAGCCCCAGGAACAAATGTAGCCATGGCGTCAAATCAGGCTGTCAGAATT[G>T]TAAAAGAACCCACAAGTCATGATAACAAGGATATTTGCAAATCTGATGCTGGAAACCTGA-3'
Protein context (NP_006258.3, residues 1313-1333): AMASNQAVRI[Val1323Leu]KEPTSHDNKD

ClinVar aggregate classification (germline): Uncertain significance (1 of 4 stars; one submission).

Conditions:
Familial acute necrotizing encephalopathy (IIAE3). Also called: Susceptibility to Acute Necrotizing Encephalopathy 1; ENCEPHALOPATHY, ACUTE, INFECTION-INDUCED, SUSCEPTIBILITY TO, 3. Identifiers: Orphanet 88619, MedGen C2675556, MONDO:0011953, OMIM 608033.

Allele frequency attached by ClinVar (database versions not stated): gnomAD exomes below 0.00001; ExAC 0.00001; gnomAD 0.00001 and 0.00002; 1000 Genomes Project 30x 0.00016; 1000 Genomes Project 0.00020.
gnomAD v4.1: 7 of 1,613,928 alleles (0.00043%); highest among the groups gnomAD compares: African/African-American, 0.004%; no homozygotes.

Submission:

Labcorp Genetics (formerly Invitae), Labcorp
Classification: Uncertain significance for Familial acute necrotizing encephalopathy. Last evaluated: 2022-08-15. Review status: criteria provided, single submitter. Criteria: Invitae Variant Classification Sherloc (09022015). Collection method: clinical testing. Allele origin: germline.
Comment: Algorithms developed to predict the effect of missense changes on protein structure and function output the following: SIFT: "Tolerated"; PolyPhen-2: "Benign"; Align-GVGD: "Class C0". The leucine amino acid residue is found in multiple mammalian species, which suggests that this missense change does not adversely affect protein function. ClinVar contains an entry for this variant (Variation ID: 469458). This variant has not been reported in the literature in individuals affected with RANBP2-related conditions. This variant is present in population databases (rs543164039, gnomAD 0.008%). This sequence change replaces valine, which is neutral and non-polar, with leucine, which is neutral and non-polar, at codon 1323 of the RANBP2 protein (p.Val1323Leu). In summary, the available evidence is currently insufficient to determine the role of this variant in disease. Therefore, it has been classified as a Variant of Uncertain Significance.